The following is an entry in ClinVar:

NM_001365999.1(SZT2):c.5426A>T (p.Glu1809Val)

Gene: SZT2 (SZT2 subunit of KICSTOR complex; plus strand). Cytogenetic location: 1p34.2.
Variant type: single nucleotide variant.
Coding change: c.5426A>T on transcript NM_001365999.1 (MANE Select); coding-DNA position 5426, A replaced by T.
Protein change: p.Glu1809Val; replaces glutamic acid 1809 with valine.
Molecular consequence: missense variant.
Genome position (GRCh38, 1-based): chr1:43,432,423, A>T. VCF-style: chr1-43432423-A-T. GRCh37 (hg19) VCF-style: chr1-43898094-A-T.
Other names: c.5255A>T, p.Glu1752Val (NM_015284.4); short protein forms E1752V, E1809V.
Identifiers: ClinVar variation 663819 (VCV000663819.13), dbSNP rs368450227, ClinGen allele CA809568.

ClinVar aggregate classification (germline): Uncertain significance. Review status: criteria provided, multiple submitters, no conflicts (2 of 4 stars). 5 submissions from 5 submitters: Uncertain significance (5). Last evaluated 2024-01-24.

Conditions:
Inborn genetic diseases. Identifiers: MedGen C0950123, MeSH D030342.
Developmental and epileptic encephalopathy, 18 (DEE18). Also called: Early infantile epileptic encephalopathy 18. Identifiers: Orphanet 369894, MedGen C3809624, MONDO:0014201, OMIM 615476.

Allele frequency attached by ClinVar (database versions not stated): ExAC 0.00003; gnomAD exomes 0.00003 and 0.00020; ESP Exome Variant Server 0.00008; TOPMed 0.00010.
gnomAD v4.1: 283 of 1,569,420 alleles (0.018%); highest among the groups gnomAD compares: Non-Finnish European, 0.024%; 1 homozygote.

Submissions (5):

Ambry Genetics
Classification: Uncertain significance for Inborn genetic diseases. Last evaluated: 2024-01-24. Review status: criteria provided, single submitter. Criteria: Ambry Variant Classification Scheme 2023. Collection method: clinical testing. Allele origin: germline.

GeneDx
Classification: Uncertain significance. Last evaluated: 2023-09-23. Review status: criteria provided, single submitter. Criteria: GeneDx Variant Classification Process June 2021. Collection method: clinical testing. Allele origin: germline. Affected: yes.
Comment: Not observed at significant frequency in large population cohorts (gnomAD); In silico analysis supports that this missense variant does not alter protein structure/function; Has not been previously published as pathogenic or benign to our knowledge

Genome-Nilou Lab
Classification: Uncertain significance for Developmental and epileptic encephalopathy, 18. Last evaluated: 2023-04-11. Review status: criteria provided, single submitter. Criteria: ACMG Guidelines, 2015. Collection method: clinical testing. Allele origin: germline. Affected: no.

Labcorp Genetics (formerly Invitae), Labcorp
Classification: Uncertain significance. Last evaluated: 2022-08-16. Review status: criteria provided, single submitter. Criteria: Invitae Variant Classification Sherloc (09022015). Collection method: clinical testing. Allele origin: germline.
Comment: This sequence change replaces glutamic acid, which is acidic and polar, with valine, which is neutral and non-polar, at codon 1752 of the SZT2 protein (p.Glu1752Val). This variant is present in population databases (rs368450227, gnomAD 0.009%). This variant has not been reported in the literature in individuals affected with SZT2-related conditions. ClinVar contains an entry for this variant (Variation ID: 663819). Algorithms developed to predict the effect of missense changes on protein structure and function are either unavailable or do not agree on the potential impact of this missense change (SIFT: "Deleterious"; PolyPhen-2: "Benign"; Align-GVGD: "Class C15"). Algorithms developed to predict the effect of sequence changes on RNA splicing suggest that this variant may disrupt the consensus splice site. In summary, the available evidence is currently insufficient to determine the role of this variant in disease. Therefore, it has been classified as a Variant of Uncertain Significance.

Revvity Omics, Revvity
Classification: Uncertain significance for Developmental and epileptic encephalopathy, 18. Last evaluated: 2020-07-31. Review status: criteria provided, single submitter. Criteria: ACMG Guidelines, 2015. Collection method: clinical testing. Allele origin: germline.